The following is an entry in ClinVar:

ClinVar aggregate classification (germline): Uncertain significance (1 of 4 stars; one submission).

Submission:

Labcorp Genetics (formerly Invitae), Labcorp
Classification: Uncertain significance. Last evaluated: 2023-04-12. Review status: criteria provided, single submitter. Criteria: Invitae Variant Classification Sherloc (09022015). Collection method: clinical testing. Allele origin: germline.
Comment: In summary, the available evidence is currently insufficient to determine the role of this variant in disease. Therefore, it has been classified as a Variant of Uncertain Significance. An algorithm developed to predict the effect of missense changes on protein structure and function (PolyPhen-2) suggests that this variant is likely to be tolerated. This variant has not been reported in the literature in individuals affected with NEDD4L-related conditions. This variant is present in population databases (no rsID available, gnomAD 0.08%). This sequence change replaces serine, which is neutral and polar, with isoleucine, which is neutral and non-polar, at codon 328 of the NEDD4L protein (p.Ser328Ile).

NM_001144967.3(NEDD4L):c.982_983delinsAT (p.Ser328Ile)

Gene: NEDD4L (NEDD4 like E3 ubiquitin protein ligase; plus strand). Cytogenetic location: 18q21.31.
Variant type: Indel.
Coding change: c.982_983delinsAT on transcript NM_001144967.3 (MANE Select); coding-DNA positions 982 to 983, TC replaced by AT.
Protein change: p.Ser328Ile; replaces serine 328 with isoleucine.
Molecular consequence: missense variant.
Genome position (GRCh38, 1-based): chr18:58,330,906-58,330,907, TC replaced by AT. VCF-style: chr18-58330906-TC-AT. GRCh37 (hg19) VCF-style: chr18-55998138-TC-AT.
Other names: c.619_620delinsAT, p.Ser207Ile (NM_001144964.1, NM_001144965.2, NM_001144966.3 and 2 more transcripts); c.958_959delinsAT, p.Ser320Ile (NM_001144968.2, NM_001144969.2); c.982_983delinsAT, p.Ser328Ile (NM_001243960.2, NM_015277.6); short protein forms S320I, S207I, S328I.
Identifiers: ClinVar variation 2906825 (VCV002906825.3), dbSNP rs2516400548, ClinGen allele CA2739268780.